The following is an entry in ClinVar:

NM_000133.4(F9):c.738T>C (p.Gly246=)

Gene: F9 (coagulation factor IX; plus strand). Cytogenetic location: Xq27.1.
Variant type: single nucleotide variant.
Coding change: c.738T>C on transcript NM_000133.4 (MANE Select); coding-DNA position 738, T replaced by C.
Protein change: p.Gly246=; no amino-acid change (glycine 246 retained).
Molecular consequence: synonymous variant.
Genome position (GRCh38, 1-based): chrX:139,560,755, T>C. VCF-style: chrX-139560755-T-C. GRCh37 (hg19) VCF-style: chrX-138642914-T-C.
Other names: c.624T>C, p.Gly208= (NM_001313913.2).
Identifiers: ClinVar variation 2166312 (VCV002166312.28), dbSNP rs1569332597, ClinGen allele CA518862946.
Genomic context (GRCh38, chrX:139,560,755, plus strand): 5'-AGATCAAATGTATTATGCAGTAAGAGTCTTAATTTTGTTTTCACAGGTTGTTTTGAATGG[T>C]AAAGTTGATGCATTCTGTGGAGGCTCTATCGTTAATGAAAAATGGATTGTAACTGCTGCC-3'
Protein context (NP_000124.1, residues 236-256): GQFPWQVVLN[Gly246=]KVDAFCGGSI

ClinVar aggregate classification (germline): Likely benign. Review status: criteria provided, multiple submitters, no conflicts (2 of 4 stars). 2 submissions from 2 submitters: Likely benign (2). Last evaluated 2024-02-14.

Conditions:
Hereditary factor IX deficiency disease (HEMB). Also called: PLASMA THROMBOPLASTIN COMPONENT DEFICIENCY; Christmas Disease; Hemophilia B; F9 DEFICIENCY; FACTOR IX DEFICIENCY. Identifiers: Orphanet 98879, MedGen C0008533, MeSH D002836, MONDO:0010604, OMIM 306900.
Thrombophilia, X-linked, due to factor 9 defect. Identifiers: MedGen C2749016, MONDO:0010432, OMIM 300807.

Allele frequency attached by ClinVar (database versions not stated): TOPMed below 0.00001; gnomAD 0.00001; gnomAD exomes 0.00004.
gnomAD v4.1: 42 of 1,203,479 alleles (0.0035%); highest among the groups gnomAD compares: Non-Finnish European, 0.0047%; no homozygotes.

Submissions (2):

Labcorp Genetics (formerly Invitae), Labcorp
Classification: Likely benign for Thrombophilia, X-linked, due to factor 9 defect; Hereditary factor IX deficiency disease. Last evaluated: 2024-02-14. Review status: criteria provided, single submitter. Criteria: Invitae Variant Classification Sherloc (09022015). Collection method: clinical testing. Allele origin: germline.

CeGaT Center for Human Genetics Tuebingen
Classification: Likely benign. Last evaluated: 2022-11-01. Review status: criteria provided, single submitter. Criteria: CeGaT Center For Human Genetics Tuebingen Variant Classification Criteria Version 2. Collection method: clinical testing. Allele origin: germline. Affected: yes. Observed: 1 variant allele.
Comment: F9: BP4, BP7